The following is an entry in ClinVar:

NM_001122681.2(SH3BP2):c.880C>T (p.Pro294Ser)

Gene: SH3BP2 (SH3 domain binding protein 2; plus strand). Cytogenetic location: 4p16.3.
Variant type: single nucleotide variant.
Coding change: c.880C>T on transcript NM_001122681.2 (MANE Select); coding-DNA position 880, C replaced by T.
Protein change: p.Pro294Ser; replaces proline 294 with serine.
Molecular consequence: missense variant.
Genome position (GRCh38, 1-based): chr4:2,829,786, C>T. VCF-style: chr4-2829786-C-T. GRCh37 (hg19) VCF-style: chr4-2831513-C-T.
Other names: c.964C>T, p.Pro322Ser (NM_001145855.2); c.1051C>T, p.Pro351Ser (NM_001145856.2); c.880C>T, p.Pro294Ser (NM_003023.4); short protein forms P294S, P322S, P351S.
Identifiers: ClinVar variation 3605583 (VCV003605583.2).

ClinVar aggregate classification (germline): Uncertain significance (1 of 4 stars; one submission).

Conditions:
Fibrous dysplasia of jaw (CRBM). Also called: Cherubism. Identifiers: Orphanet 184, MedGen C0008029, MONDO:0007315, OMIM 118400.

gnomAD v4.1: 5 of 1,613,190 alleles (0.00031%); highest among the groups gnomAD compares: Non-Finnish European, 0.00042%; no homozygotes.

Submission:

Labcorp Genetics (formerly Invitae), Labcorp
Classification: Uncertain significance for Fibrous dysplasia of jaw. Last evaluated: 2025-12-29. Review status: criteria provided, single submitter. Criteria: Invitae Variant Classification Sherloc (09022015). Collection method: clinical testing. Allele origin: germline.
Comment: This sequence change replaces proline, which is neutral and non-polar, with serine, which is neutral and polar, at codon 294 of the SH3BP2 protein (p.Pro294Ser). This variant is not present in population databases (gnomAD no frequency). This variant has not been reported in the literature in individuals affected with SH3BP2-related conditions. ClinVar contains an entry for this variant (Variation ID: 3605583). Invitae Evidence Modeling of protein sequence and biophysical properties (such as structural, functional, and spatial information, amino acid conservation, physicochemical variation, residue mobility, and thermodynamic stability) indicates that this missense variant is not expected to disrupt SH3BP2 protein function with a negative predictive value of 95%. In summary, the available evidence is currently insufficient to determine the role of this variant in disease. Therefore, it has been classified as a Variant of Uncertain Significance.